The following is an entry in ClinVar:

NM_005458.8(GABBR2):c.136G>A (p.Ala46Thr)

Gene: GABBR2 (gamma-aminobutyric acid type B receptor subunit 2; minus strand). Cytogenetic location: 9q22.33.
Variant type: single nucleotide variant.
Coding change: c.136G>A on transcript NM_005458.8 (MANE Select); coding-DNA position 136, G replaced by A.
Protein change: p.Ala46Thr; replaces alanine 46 with threonine.
Molecular consequence: missense variant.
Genome position (GRCh38, 1-based): chr9:98,708,602, C>T on the plus strand (G>A on the coding strand, the complement: GABBR2 is on the minus strand). VCF-style: chr9-98708602-C-T. GRCh37 (hg19) VCF-style: chr9-101470884-C-T.
Other names: short protein forms A46T.
Identifiers: ClinVar variation 1926126 (VCV001926126.5), dbSNP rs761529471, ClinGen allele CA5153065.

ClinVar aggregate classification (germline): Uncertain significance (1 of 4 stars; one submission).

Conditions:
Epileptic encephalopathy. Identifiers: MedGen C0543888, HP:0200134.

Allele frequency attached by ClinVar (database versions not stated): gnomAD exomes 0.00001; ExAC 0.00007.
gnomAD v4.1: 8 of 1,414,206 alleles (0.00057%); highest among the groups gnomAD compares: South Asian, 0.012%; 1 homozygote.

Submission:

Labcorp Genetics (formerly Invitae), Labcorp
Classification: Uncertain significance for Epileptic encephalopathy. Last evaluated: 2024-07-08. Review status: criteria provided, single submitter. Criteria: Invitae Variant Classification Sherloc (09022015). Collection method: clinical testing. Allele origin: germline.
Comment: This sequence change replaces alanine, which is neutral and non-polar, with threonine, which is neutral and polar, at codon 46 of the GABBR2 protein (p.Ala46Thr). The frequency data for this variant in the population databases is considered unreliable, as metrics indicate poor data quality at this position in the gnomAD database. This variant has not been reported in the literature in individuals affected with GABBR2-related conditions. ClinVar contains an entry for this variant (Variation ID: 1926126). Experimental studies and prediction algorithms are not available or were not evaluated, and the functional significance of this variant is currently unknown. In summary, the available evidence is currently insufficient to determine the role of this variant in disease. Therefore, it has been classified as a Variant of Uncertain Significance.